The following is an entry in ClinVar:

NM_001042492.3(NF1):c.6488T>G (p.Leu2163Trp)

Gene: NF1 (neurofibromin 1; plus strand). Cytogenetic location: 17q11.2.
Variant type: single nucleotide variant.
Coding change: c.6488T>G on transcript NM_001042492.3 (MANE Select); coding-DNA position 6488, T replaced by G.
Protein change: p.Leu2163Trp; replaces leucine 2163 with tryptophan.
Molecular consequence: missense variant.
Genome position (GRCh38, 1-based): chr17:31,337,428, T>G. VCF-style: chr17-31337428-T-G. GRCh37 (hg19) VCF-style: chr17-29664446-T-G.
Other names: c.6425T>G, p.Leu2142Trp (NM_000267.4); short protein forms L2142W, L2163W.
Identifiers: ClinVar variation 650746 (VCV000650746.4), dbSNP rs1353492847, ClinGen allele CA399013122.

ClinVar aggregate classification (germline): Uncertain significance. Review status: criteria provided, multiple submitters, no conflicts (2 of 4 stars). 2 submissions from 2 submitters: Uncertain significance (2). Last evaluated 2024-06-27.

Conditions:
Cardiovascular phenotype. Identifiers: MedGen CN230736.
Hereditary cancer-predisposing syndrome. Also called: Hereditary Cancer Syndrome; Tumor predisposition; Neoplastic Syndromes, Hereditary; Hereditary neoplastic syndrome. Identifiers: Orphanet 140162, MedGen C0027672, MeSH D009386, MONDO:0015356.
Neurofibromatosis, type 1 (NF1). Also called: VON RECKLINGHAUSEN DISEASE; Neurofibromatosis, type I; NEUROFIBROMATOSIS, TYPE I, SOMATIC; Peripheral type neurofibromatosis. Identifiers: Orphanet 636, MedGen C0027831, MONDO:0018975, OMIM 162200. Disease mechanism: loss of function.

Allele frequency attached by ClinVar (database versions not stated): TOPMed below 0.00001; gnomAD 0.00001.
gnomAD v4.1: 1 of 1,614,054 alleles (0.000062%); highest among the groups gnomAD compares: Non-Finnish European, 0.000085%; no homozygotes.

Submissions (2):

Ambry Genetics
Classification: Uncertain significance for Cardiovascular phenotype; Hereditary cancer-predisposing syndrome. Last evaluated: 2024-06-27. Review status: criteria provided, single submitter. Criteria: Ambry Variant Classification Scheme 2023. Collection method: clinical testing. Allele origin: germline.
Comment: The p.L2142W variant (also known as c.6425T>G), located in coding exon 42 of the NF1 gene, results from a T to G substitution at nucleotide position 6425. The leucine at codon 2142 is replaced by tryptophan, an amino acid with similar properties. This amino acid position is conserved. In addition, this alteration is predicted to be deleterious by in silico analysis. Based on the available evidence, the clinical significance of this variant remains unclear.

Labcorp Genetics (formerly Invitae), Labcorp
Classification: Uncertain significance for Neurofibromatosis, type 1. Last evaluated: 2021-08-31. Review status: criteria provided, single submitter. Criteria: Invitae Variant Classification Sherloc (09022015). Collection method: clinical testing. Allele origin: germline.
Comment: This sequence change replaces leucine with tryptophan at codon 2142 of the NF1 protein (p.Leu2142Trp). The leucine residue is moderately conserved and there is a small physicochemical difference between leucine and tryptophan. This variant is not present in population databases (ExAC no frequency). This variant has not been reported in the literature in individuals affected with NF1-related conditions. Algorithms developed to predict the effect of missense changes on protein structure and function are either unavailable or do not agree on the potential impact of this missense change (SIFT: "Deleterious"; PolyPhen-2: "Probably Damaging"; Align-GVGD: "Class C0"). In summary, the available evidence is currently insufficient to determine the role of this variant in disease. Therefore, it has been classified as a Variant of Uncertain Significance.